The following is an entry in ClinVar:

NM_006129.5(BMP1):c.835A>G (p.Arg279Gly)

Gene: BMP1 (bone morphogenetic protein 1; plus strand). Cytogenetic location: 8p21.3.
Variant type: single nucleotide variant.
Coding change: c.835A>G on transcript NM_006129.5 (MANE Select); coding-DNA position 835, A replaced by G.
Protein change: p.Arg279Gly; replaces arginine 279 with glycine.
Molecular consequence: missense variant. On other transcripts: non-coding transcript variant (2).
Genome position (GRCh38, 1-based): chr8:22,177,956, A>G. VCF-style: chr8-22177956-A-G. GRCh37 (hg19) VCF-style: chr8-22035469-A-G.
Other names: c.835A>G, p.Arg279Gly (NM_001199.4); short protein forms R279G.
Identifiers: ClinVar variation 4082206 (VCV004082206.1).

ClinVar aggregate classification (germline): Pathogenic (1 of 4 stars; one submission).

Conditions:
Osteogenesis imperfecta type 13. Also called: OI, TYPE XIII; Osteogenesis imperfecta, type xiii. Identifiers: Orphanet 666, MedGen C3553887, MONDO:0013924, OMIM 614856.

Submission:

Laboratoire de Genetique Biologique, CHU de Poitiers
Classification: Pathogenic for Osteogenesis imperfecta type 13. Last evaluated: 2025-09-05. Review status: criteria provided, single submitter. Criteria: ACMG Guidelines, 2015. Collection method: clinical testing. Allele origin: biparental. Inheritance: Autosomal recessive inheritance. Affected: yes. Observed: 1 homozygote.
Comment: this variant is not reported in gnomAD v4. Functional in vitro assays from our laboratory demonstrated that the c.835A>G variant, located within the protease domain of BMP1, leads to (1) a deleterious missense substitution (p.Arg279Gly) affecting protease activity and (2) aberrant splicing, inducing exon 6 skipping, and a subsequent frameshift of the open reading frame (c.835A>G is the penultimate nucleotide of exon 6, this variant dramatically decrease natural donor splice site of intron 6). According to ACMG classification, this variant could be annotated PS3, PM1, PM2, PP2, PP3 and so classified as pathogenic.

Literature cited by the submitters: PubMed 30220433.